The following is an entry in ClinVar:

NM_006767.4(LZTR1):c.1806G>A (p.Val602=)

Gene: LZTR1 (leucine zipper like post translational regulator 1; plus strand). Cytogenetic location: 22q11.21.
Variant type: single nucleotide variant.
Coding change: c.1806G>A on transcript NM_006767.4 (MANE Select); coding-DNA position 1806, G replaced by A.
Protein change: p.Val602=; no amino-acid change (valine 602 retained).
Molecular consequence: synonymous variant.
Genome position (GRCh38, 1-based): chr22:20,994,890, G>A. VCF-style: chr22-20994890-G-A. GRCh37 (hg19) VCF-style: chr22-21349179-G-A.
Other names: p.Val602=.
Identifiers: ClinVar variation 1391531 (VCV001391531.12), dbSNP rs1157548960, ClinGen allele CA513699377.

ClinVar aggregate classification (germline): Conflicting classifications of pathogenicity. Review status: criteria provided, conflicting classifications (1 of 4 stars). 5 submissions from 5 submitters: Uncertain significance (1); Likely benign (4). Last evaluated 2026-02-01.

Conditions:
Hereditary cancer-predisposing syndrome. Also called: Hereditary Cancer Syndrome; Tumor predisposition; Neoplastic Syndromes, Hereditary; Hereditary neoplastic syndrome. Identifiers: Orphanet 140162, MedGen C0027672, MeSH D009386, MONDO:0015356.
Cardiovascular phenotype. Identifiers: MedGen CN230736.
LZTR1-related disorder. Also called: LZTR1-related disorders; LZTR1-related condition.
LZTR1-related schwannomatosis. Also called: Schwannomatosis-2, susceptibility to; Schwannomatosis 2. Identifiers: Orphanet 93921, MedGen C3810283, MONDO:0014299, OMIM 615670.

Allele frequency attached by ClinVar (database versions not stated): gnomAD exomes below 0.00001 and 0.00003; gnomAD 0.00003; TOPMed 0.00003.

Submissions (5):

Labcorp Genetics (formerly Invitae), Labcorp
Classification: Likely benign. Last evaluated: 2026-02-01. Review status: criteria provided, single submitter. Criteria: Invitae Variant Classification Sherloc (09022015). Collection method: clinical testing. Allele origin: germline.

PreventionGenetics, part of Exact Sciences
Classification: Likely benign for LZTR1-related condition. Last evaluated: 2025-12-14. Review status: criteria provided, single submitter. Criteria: ACMG Guidelines, 2015. Collection method: clinical testing. Allele origin: germline.
Comment: This variant is classified as likely benign based on ACMG/AMP sequence variant interpretation guidelines (Richards et al. 2015 PMID: 25741868, with internal and published modifications).

Ambry Genetics
Classification: Likely benign for Cardiovascular phenotype; Hereditary cancer-predisposing syndrome. Last evaluated: 2025-01-14. Review status: criteria provided, single submitter. Criteria: Ambry Variant Classification Scheme 2023. Collection method: clinical testing. Allele origin: germline.

Women's Health and Genetics/Laboratory Corporation of America, LabCorp
Classification: Likely benign. Last evaluated: 2024-09-30. Review status: criteria provided, single submitter. Criteria: LabCorp Variant Classification Summary - May 2015. Collection method: clinical testing. Allele origin: germline.

Clinical Genomics Laboratory, Stanford Medicine
Classification: Uncertain significance for LZTR1-related schwannomatosis. Last evaluated: 2021-07-23. Review status: criteria provided, single submitter. Criteria: ACMG Guidelines, 2015. Collection method: clinical testing. Allele origin: germline. Affected: yes. Observed: 1 heterozygote.
Comment: The p.Val602= variant in the LZTR1gene has not been previously reported in association with disease. This varianthas been identified in 1/251,134 chromosomes by the Genome Aggregation Database. Although this variant has been seen in the general population, it has not been observed at a frequency high enough to rule out pathogenicity. The p.Val602= variant occurs near the 3’splice site and computational tools do not predictan impact to splicing. However, the accuracy of these computational tools is limited. These data were assessed using the ACMG/AMP variant interpretation guidelines. In summary, the significance of the p.Val602= variant is uncertain. Additional information is needed to resolve the significance of this variant.[ACMG evidence codes used: PM2_Supporting]